The following is an entry in ClinVar:

ClinVar aggregate classification (germline): Benign/Likely benign. Review status: criteria provided, multiple submitters, no conflicts (2 of 4 stars). 3 submissions from 3 submitters: Benign (1); Likely benign (2). Last evaluated 2026-01-26.

Conditions:
Hereditary cancer-predisposing syndrome. Also called: Tumor predisposition; Hereditary neoplastic syndrome; Neoplastic Syndromes, Hereditary; Hereditary Cancer Syndrome. Identifiers: Orphanet 140162, MedGen C0027672, MeSH D009386, MONDO:0015356.
Hereditary diffuse gastric adenocarcinoma (HDGC). Also called: DIFFUSE GASTRIC AND LOBULAR BREAST CANCER SYNDROME. Identifiers: Orphanet 26106, MedGen C1708349, MONDO:0007648, OMIM 137215.

Allele frequency attached by ClinVar (database versions not stated): TOPMed 0.00001; ExAC 0.00002; gnomAD exomes 0.00002 and 0.00005; gnomAD 0.00003; ESP Exome Variant Server 0.00008.
gnomAD v4.1: 77 of 1,614,042 alleles (0.0048%); highest among the groups gnomAD compares: Non-Finnish European, 0.006%; no homozygotes.

Submissions (3):

Labcorp Genetics (formerly Invitae), Labcorp
Classification: Likely benign. Last evaluated: 2026-01-26. Review status: criteria provided, single submitter. Criteria: Invitae Variant Classification Sherloc (09022015). Collection method: clinical testing. Allele origin: germline.

Myriad Genetics, Inc.
Classification: Benign for Hereditary diffuse gastric adenocarcinoma. Last evaluated: 2024-10-14. Review status: criteria provided, single submitter. Criteria: Myriad Autosomal Dominant, Autosomal Recessive and X-Linked Classification Criteria (2023). Collection method: clinical testing. Allele origin: unknown.
Comment: This variant is considered benign. This variant is a silent/synonymous amino acid change and it is not expected to impact splicing.

Ambry Genetics
Classification: Likely benign for Hereditary cancer-predisposing syndrome. Last evaluated: 2020-01-06. Review status: criteria provided, single submitter. Criteria: Ambry Variant Classification Scheme 2023. Collection method: clinical testing. Allele origin: germline.

NM_001903.5(CTNNA1):c.1833T>C (p.Phe611=)

Gene: CTNNA1 (catenin alpha 1; plus strand). Cytogenetic location: 5q31.2.
Variant type: single nucleotide variant.
Coding change: c.1833T>C on transcript NM_001903.5 (MANE Select); coding-DNA position 1833, T replaced by C.
Protein change: p.Phe611=; no amino-acid change (phenylalanine 611 retained).
Molecular consequence: synonymous variant.
Genome position (GRCh38, 1-based): chr5:138,925,341, T>C. VCF-style: chr5-138925341-T-C. GRCh37 (hg19) VCF-style: chr5-138261030-T-C.
Other names: c.1833T>C, p.Phe611= (NM_001290307.3, NM_001323982.2, NM_001323983.1 and 2 more transcripts); c.1524T>C, p.Phe508= (NM_001290309.3); c.1464T>C, p.Phe488= (NM_001290310.3); c.723T>C, p.Phe241= (NM_001290312.1, NM_001323987.1, NM_001323988.1 and 17 more transcripts); c.1740T>C, p.Phe580= (NM_001323986.2); c.384T>C, p.Phe128= (NM_001324006.1, NM_001324007.1, NM_001324008.1 and 2 more transcripts); c.630T>C, p.Phe210= (NM_001324011.1); c.480T>C, p.Phe160= (NM_001324012.1, NM_001324013.1).
Identifiers: ClinVar variation 703214 (VCV000703214.15), dbSNP rs375147278, ClinGen allele CA3432042.
Genomic context (GRCh38, chr5:138,925,341, plus strand): 5'-AGAAGCAGCCGTGGAAGCCCTCAGCTCGGACCCTGCCCAGCCCATGGATGAGAATGAGTT[T>C]ATCGATGCTTCCCGCCTGGTATATGATGGCATCCGGGACATCAGGAAAGCAGTGCTGATG-3'
Protein context (NP_001894.2, residues 601-621): DPAQPMDENE[Phe611=]IDASRLVYDG